The following is an entry in ClinVar:

ClinVar aggregate classification (germline): Uncertain significance (1 of 4 stars; one submission).

Allele frequency attached by ClinVar (database versions not stated): gnomAD exomes below 0.00001; ExAC 0.00001; gnomAD 0.00001.
gnomAD v4.1: 2 of 1,613,382 alleles (0.00012%); highest among the groups gnomAD compares: East Asian, 0.0022%; no homozygotes.

Submission:

Labcorp Genetics (formerly Invitae), Labcorp
Classification: Uncertain significance. Last evaluated: 2022-10-17. Review status: criteria provided, single submitter. Criteria: Invitae Variant Classification Sherloc (09022015). Collection method: clinical testing. Allele origin: germline.
Comment: In summary, the available evidence is currently insufficient to determine the role of this variant in disease. Therefore, it has been classified as a Variant of Uncertain Significance. Algorithms developed to predict the effect of missense changes on protein structure and function (SIFT, PolyPhen-2, Align-GVGD) all suggest that this variant is likely to be tolerated. This variant has not been reported in the literature in individuals affected with C17orf62-related conditions. This variant is present in population databases (rs745639361, gnomAD 0.006%). This sequence change replaces cysteine, which is neutral and slightly polar, with phenylalanine, which is neutral and non-polar, at codon 165 of the C17orf62 protein (p.Cys165Phe).

NM_001033046.4(CYBC1):c.494G>T (p.Cys165Phe)

Gene: CYBC1 (cytochrome b-245 chaperone 1; minus strand). Cytogenetic location: 17q25.3.
Variant type: single nucleotide variant.
Coding change: c.494G>T on transcript NM_001033046.4 (MANE Select); coding-DNA position 494, G replaced by T.
Protein change: p.Cys165Phe; replaces cysteine 165 with phenylalanine.
Molecular consequence: missense variant. On other transcripts: non-coding transcript variant (4).
Genome position (GRCh38, 1-based): chr17:82,444,074, C>A on the plus strand (G>T on the coding strand, the complement: CYBC1 is on the minus strand). VCF-style: chr17-82444074-C-A. GRCh37 (hg19) VCF-style: chr17-80401950-C-A.
Other names: c.494G>T, p.Cys165Phe (NM_001100407.3, NM_001193653.2, NM_001193654.2 and 2 more transcripts); c.452G>T, p.Cys151Phe (NM_001100408.3); short protein forms C151F, C165F.
Identifiers: ClinVar variation 1968668 (VCV001968668.5), dbSNP rs745639361, ClinGen allele CA8858161.